The following is an entry in ClinVar:

ClinVar aggregate classification (germline): Uncertain significance. Review status: criteria provided, multiple submitters, no conflicts (2 of 4 stars). 2 submissions from 2 submitters: Uncertain significance (2). Last evaluated 2022-09-07.

Conditions:
Cenani-Lenz syndactyly syndrome. Also called: CENANI SYNDACTYLISM; SYNDACTYLY, TYPE VII. Identifiers: Orphanet 3258, MedGen C1859309, MONDO:0008931, OMIM 212780.
Sclerosteosis 2 (SOST2). Identifiers: Orphanet 3152, MedGen C3280402, MONDO:0013679, OMIM 614305.
Congenital myasthenic syndrome 17. Identifiers: Orphanet 590, MedGen C4225377, MONDO:0014578, OMIM 616304.

Allele frequency attached by ClinVar (database versions not stated): ExAC 0.00001; gnomAD 0.00001 and 0.00002; gnomAD exomes 0.00001; TOPMed 0.00002.
gnomAD v4.1: 16 of 1,613,990 alleles (0.00099%); highest among the groups gnomAD compares: South Asian, 0.0033%; no homozygotes.

Submissions (2):

Labcorp Genetics (formerly Invitae), Labcorp
Classification: Uncertain significance for Cenani-Lenz syndactyly syndrome; Sclerosteosis 2; Congenital myasthenic syndrome 17. Last evaluated: 2022-09-07. Review status: criteria provided, single submitter. Criteria: Invitae Variant Classification Sherloc (09022015). Collection method: clinical testing. Allele origin: germline.
Comment: This sequence change replaces arginine, which is basic and polar, with glutamine, which is neutral and polar, at codon 1588 of the LRP4 protein (p.Arg1588Gln). This variant is present in population databases (rs746746234, gnomAD 0.004%). This variant has not been reported in the literature in individuals affected with LRP4-related conditions. ClinVar contains an entry for this variant (Variation ID: 878065). Algorithms developed to predict the effect of missense changes on protein structure and function (SIFT, PolyPhen-2, Align-GVGD) all suggest that this variant is likely to be disruptive. In summary, the available evidence is currently insufficient to determine the role of this variant in disease. Therefore, it has been classified as a Variant of Uncertain Significance.

Illumina Laboratory Services, Illumina
Classification: Uncertain significance for Cenani-Lenz syndactyly syndrome. Last evaluated: 2018-01-12. Review status: criteria provided, single submitter. Criteria: ICSL Variant Classification Criteria 13 December 2019. Collection method: clinical testing. Allele origin: germline.

NM_002334.4(LRP4):c.4763G>A (p.Arg1588Gln)

Genes: LRP4 (LDL receptor related protein 4; minus strand), LRP4-AS1 (LRP4 antisense RNA 1; plus strand). Cytogenetic location: 11p11.2.
Variant type: single nucleotide variant.
Coding change: c.4763G>A on transcript NM_002334.4 (MANE Select); coding-DNA position 4763, G replaced by A.
Protein change: p.Arg1588Gln; replaces arginine 1588 with glutamine.
Molecular consequence: missense variant.
Genome position (GRCh38, 1-based): chr11:46,869,062, C>T on the plus strand (G>A on the coding strand, the complement: LRP4 is on the minus strand). VCF-style: chr11-46869062-C-T. GRCh37 (hg19) VCF-style: chr11-46890613-C-T.
Other names: short protein forms R1588Q.
Identifiers: ClinVar variation 878065 (VCV000878065.5), dbSNP rs746746234, ClinGen allele CA5969241.
Genomic context (GRCh38, chr11:46,869,062, plus strand): 5'-GGGGAAACCACGATGATATCCATGAGTCCTTCCACATTTGCCAGCACTGTCTCCTTGTTC[C>T]GGCCTGAGTATTTGTCAACACGCTGGATTGACTTGGTCTGCCAGTCTGTCCAGTAGATCC-3'
Protein context (NP_002325.2, residues 1578-1598): SIQRVDKYSG[Arg1588Gln]NKETVLANVE